The following is an entry in ClinVar:

ClinVar aggregate classification (germline): Uncertain significance (1 of 4 stars; one submission).

Conditions:
Early Myoclonic Encephalopathy. Identifiers: MedGen C0270855.

Allele frequency attached by ClinVar (database versions not stated): gnomAD exomes below 0.00001.
gnomAD v4.1: 4 of 1,614,070 alleles (0.00025%); highest among the groups gnomAD compares: Admixed American, 0.0033%; no homozygotes.

Submission:

Labcorp Genetics (formerly Invitae), Labcorp
Classification: Uncertain significance for Early Myoclonic Encephalopathy. Last evaluated: 2022-10-26. Review status: criteria provided, single submitter. Criteria: Invitae Variant Classification Sherloc (09022015). Collection method: clinical testing. Allele origin: germline.
Comment: Advanced modeling of protein sequence and biophysical properties (such as structural, functional, and spatial information, amino acid conservation, physicochemical variation, residue mobility, and thermodynamic stability) performed at Invitae indicates that this missense variant is not expected to disrupt JMJD1C protein function. In summary, the available evidence is currently insufficient to determine the role of this variant in disease. Therefore, it has been classified as a Variant of Uncertain Significance. ClinVar contains an entry for this variant (Variation ID: 954953). This variant has not been reported in the literature in individuals affected with JMJD1C-related conditions. This variant is not present in population databases (gnomAD no frequency). This sequence change replaces isoleucine, which is neutral and non-polar, with valine, which is neutral and non-polar, at codon 1030 of the JMJD1C protein (p.Ile1030Val).

NM_032776.3(JMJD1C):c.3088A>G (p.Ile1030Val)

Gene: JMJD1C (jumonji domain containing 1C; minus strand). Cytogenetic location: 10q21.3.
Variant type: single nucleotide variant.
Coding change: c.3088A>G on transcript NM_032776.3 (MANE Select); coding-DNA position 3088, A replaced by G.
Protein change: p.Ile1030Val; replaces isoleucine 1030 with valine.
Molecular consequence: missense variant. On other transcripts: non-coding transcript variant (1).
Genome position (GRCh38, 1-based): chr10:63,208,581, T>C on the plus strand (A>G on the coding strand, the complement: JMJD1C is on the minus strand). VCF-style: chr10-63208581-T-C. GRCh37 (hg19) VCF-style: chr10-64968341-T-C.
Other names: c.2542A>G, p.Ile848Val (NM_001282948.2, NM_001318154.2); c.2224A>G, p.Ile742Val (NM_001318153.2); c.2974A>G, p.Ile992Val (NM_001322252.2); c.2431A>G, p.Ile811Val (NM_001322254.2, NM_001322258.2); short protein forms I848V, I811V, I992V, I1030V, I742V.
Identifiers: ClinVar variation 954953 (VCV000954953.9), dbSNP rs1466949975, ClinGen allele CA377042866.